The following is an entry in ClinVar:

ClinVar aggregate classification (germline): Conflicting classifications of pathogenicity. Review status: criteria provided, conflicting classifications (1 of 4 stars). 3 submissions from 3 submitters: Uncertain significance (1); Benign (1); Likely benign (1). Last evaluated 2024-12-24.

Conditions:
Kabuki syndrome. Also called: NIIKAWA-KUROKI SYNDROME; Kabuki make-up syndrome. Identifiers: Orphanet 2322, MedGen C0796004, MONDO:0016512.
Kabuki syndrome 1 (KABUK1). Also called: KMT2D-Related Kabuki Syndrome. Identifiers: Orphanet 2322, MedGen CN030661, MONDO:0007843, OMIM 147920.

Allele frequency attached by ClinVar (database versions not stated): TOPMed 0.00001; ExAC 0.00002; gnomAD exomes 0.00004.
gnomAD v4.1: 12 of 1,613,086 alleles (0.00074%); highest among the groups gnomAD compares: Admixed American, 0.017%; no homozygotes.

Submissions (3):

Labcorp Genetics (formerly Invitae), Labcorp
Classification: Benign for Kabuki syndrome. Last evaluated: 2024-12-24. Review status: criteria provided, single submitter. Criteria: Invitae Variant Classification Sherloc (09022015). Collection method: clinical testing. Allele origin: germline.

GeneDx
Classification: Likely benign. Last evaluated: 2021-02-23. Review status: criteria provided, single submitter. Criteria: GeneDx Variant Classification Process June 2021. Collection method: clinical testing. Allele origin: germline. Affected: yes.

Baylor Genetics
Classification: Uncertain significance for Kabuki syndrome 1. Last evaluated: 2018-11-26. Review status: criteria provided, single submitter. Criteria: ACMG Guidelines, 2015. Collection method: clinical testing. Allele origin: maternal. Affected: yes.
Comment: This variant was determined to be of uncertain significance according to ACMG Guidelines, 2015 [PMID:25741868].

NM_003482.4(KMT2D):c.13463A>G (p.Asn4488Ser)

Gene: KMT2D (lysine methyltransferase 2D; minus strand). Cytogenetic location: 12q13.12.
Variant type: single nucleotide variant.
Coding change: c.13463A>G on transcript NM_003482.4 (MANE Select); coding-DNA position 13463, A replaced by G.
Protein change: p.Asn4488Ser; replaces asparagine 4488 with serine.
Molecular consequence: missense variant.
Genome position (GRCh38, 1-based): chr12:49,031,242, T>C on the plus strand (A>G on the coding strand, the complement: KMT2D is on the minus strand). VCF-style: chr12-49031242-T-C. GRCh37 (hg19) VCF-style: chr12-49425025-T-C.
Other names: short protein forms N4488S.
Identifiers: ClinVar variation 1033584 (VCV001033584.10), dbSNP rs779247029, ClinGen allele CA6546018.